The following is an entry in ClinVar:

NM_001165963.4(SCN1A):c.5422T>C (p.Phe1808Leu)

Genes: SCN1A (sodium voltage-gated channel alpha subunit 1; minus strand), LOC102724058 (uncharacterized LOC102724058; plus strand). Cytogenetic location: 2q24.3.
Variant type: single nucleotide variant.
Coding change: c.5422T>C on transcript NM_001165963.4 (MANE Select); coding-DNA position 5422, T replaced by C.
Protein change: p.Phe1808Leu; replaces phenylalanine 1808 with leucine.
Molecular consequence: missense variant. On other transcripts: non-coding transcript variant (1).
Genome position (GRCh38, 1-based): chr2:165,991,853, A>G on the plus strand (T>C on the coding strand, the complement: SCN1A is on the minus strand). VCF-style: chr2-165991853-A-G. GRCh37 (hg19) VCF-style: chr2-166848363-A-G.
Other names: c.5338T>C, p.Phe1780Leu (NM_001165964.3, NM_001353957.2, NM_001353958.2); c.5422T>C, p.Phe1808Leu (NM_001202435.3, NM_001353948.2); c.5389T>C, p.Phe1797Leu (NM_001353949.2, NM_001353950.2, NM_001353951.2 and 2 more transcripts); c.5386T>C, p.Phe1796Leu (NM_001353954.2, NM_001353955.2); c.5335T>C, p.Phe1779Leu (NM_001353960.2); c.2980T>C, p.Phe994Leu (NM_001353961.2); short protein forms F1797L, F1808L, F1779L, F1780L, F994L, F1796L.
Identifiers: ClinVar variation 68661 (VCV000068661.5), dbSNP rs121918757, ClinGen allele CA285237.
Genomic context (GRCh38, chr2:165,991,853, plus strand): 5'-ATTTTTCAAATTCCATGAACTGAGTTGCATCGGGATCAAACTTCTCCCAAACCTCATAGA[A>G]CATCTCAAAGTCATCCTCACTCAGAGGCTCTGCACTTTCTTCAGTAGCAACACTGAAGTT-3'
Protein context (NP_001159435.1, residues 1798-1818): EPLSEDDFEM[Phe1808Leu]YEVWEKFDPD

ClinVar aggregate classification (germline): Pathogenic. Review status: criteria provided, single submitter (1 of 4 stars). 2 submissions from 2 submitters: Pathogenic (1). 1 of the submissions does not count toward it. Last evaluated 2023-06-29.

Conditions:
Severe myoclonic epilepsy in infancy (DRVT). Also called: SEVERE MYOCLONIC EPILEPSY OF INFANCY; DEVELOPMENTAL AND EPILEPTIC ENCEPHALOPATHY 6A; Severe Myoclonic Epilepsy in Infancy (SMEI); Dravet syndrome; Epileptic encephalopathy, early infantile, 6 (Dravet syndrome). Identifiers: Orphanet 33069, MedGen C0751122, MONDO:0100135, OMIM 607208.

Submissions (3):

GeneDx
Classification: Pathogenic. Last evaluated: 2023-06-29. Review status: criteria provided, single submitter. Criteria: GeneDx Variant Classification Process June 2021. Collection method: clinical testing. Allele origin: germline. Affected: yes.
Comment: Identified in an individual with intractable childhood epilepsy with generalized tonic-clonic seizures (Fujiwara T et al., 2003) and in an individual with Dravet syndrome (Berkvens JJ et al., 2015); Published functional studies demonstrate that the variant disrupts normal sodium channel function (Rhoades TH et al., 2005); Not observed at significant frequency in large population cohorts (gnomAD); In silico analysis supports that this missense variant has a deleterious effect on protein structure/function; Missense variants in this gene are often considered pathogenic (HGMD); This variant is associated with the following publications: (PMID: 15346159, 15277629, 23884151, 26005841, 26076853, 28102150, 31086826, 16210358, 12566275)

Channelopathy-Associated Epilepsy Research Center
No classification provided (evidence only). Condition: Severe myoclonic epilepsy in infancy. Review status: no classification provided. Collection method: literature only. Allele origin: not applicable. Functional consequence: Moderate decrease in peak current, Moderate hyperpolarizing shift of voltage dependence of activation, Increase in slope of activation, Moderate hyperpolarizing shift of voltage dependence of fast inactivation, Increase in slope of fast inactivation, Normal rate of recovery from fast inactivation, Acceleration of fast inactivation, Severe increase in persistent current, Normal entry into slow inactivation, Normal recovery from slow inactivation, Normal slope of slow inactivation, Normal voltage dependence of slow inactivation, Decrease of decay in current amplitude in use dependence, Overall mixed or unclear functional effect with respect to biophysical channel activity. Not counted in ClinVar's aggregate classification.
ClinVar note: "not provided" was previously submitted as the classification for the variant. However, the classification appeared to be based only on an observation of functional data so it was converted to no classification on 2025-07-30.

UniProtKB/Swiss-Prot
No classification provided. Condition: Severe myoclonic epilepsy in infancy. Review status: no classification provided. Collection method: not provided. Allele origin: germline. Not counted in ClinVar's aggregate classification.
Comment: Intractable childhood epilepsy with generalized tonic-clonic seizures

Literature cited by the submitters: PubMed 16210358 (cited by Channelopathy-Associated Epilepsy Research Center).